The following is an entry in ClinVar:

ClinVar aggregate classification (germline): Uncertain significance (1 of 4 stars; one submission).

Conditions:
Baller-Gerold syndrome (BGS). Also called: CRANIOSYNOSTOSIS WITH RADIAL DEFECTS. Identifiers: Orphanet 1225, MedGen C0265308, MONDO:0009039, OMIM 218600.

Submission:

Labcorp Genetics (formerly Invitae), Labcorp
Classification: Uncertain significance for Baller-Gerold syndrome. Last evaluated: 2023-01-02. Review status: criteria provided, single submitter. Criteria: Invitae Variant Classification Sherloc (09022015). Collection method: clinical testing. Allele origin: germline.
Comment: In summary, the available evidence is currently insufficient to determine the role of this variant in disease. Therefore, it has been classified as a Variant of Uncertain Significance. Algorithms developed to predict the effect of missense changes on protein structure and function output the following: SIFT: "Not Available"; PolyPhen-2: "Not Available"; Align-GVGD: "Not Available". The glycine amino acid residue is found in multiple mammalian species, which suggests that this missense change does not adversely affect protein function. This variant has not been reported in the literature in individuals affected with RECQL4-related conditions. This variant is not present in population databases (gnomAD no frequency). This sequence change replaces serine, which is neutral and polar, with glycine, which is neutral and non-polar, at codon 61 of the RECQL4 protein (p.Ser61Gly).

NM_004260.4(RECQL4):c.181A>G (p.Ser61Gly)

Genes: RECQL4 (RecQ like helicase 4; minus strand), LOC130001411 (ATAC-STARR-seq lymphoblastoid silent region 19699; plus strand). Cytogenetic location: 8q24.3.
Variant type: single nucleotide variant.
Coding change: c.181A>G on transcript NM_004260.4 (MANE Select); coding-DNA position 181, A replaced by G.
Protein change: p.Ser61Gly; replaces serine 61 with glycine.
Molecular consequence: missense variant. On other transcripts: 5 prime UTR variant (16), non-coding transcript variant (3), intron variant (2).
Genome position (GRCh38, 1-based): chr8:144,517,446, T>C on the plus strand (A>G on the coding strand, the complement: RECQL4 is on the minus strand). VCF-style: chr8-144517446-T-C. GRCh37 (hg19) VCF-style: chr8-145742830-T-C.
Other names: c.181A>G, p.Ser61Gly (NM_001413017.1, NM_001413018.1, NM_001413019.1 and 5 more transcripts); c.-795A>G (NM_001413034.1); c.-788A>G (NM_001413035.1, NM_001413024.1); c.-891A>G (NM_001413037.1, NM_001413038.1, NM_001413042.1 and 2 more transcripts); c.-953A>G (NM_001413041.1, NM_001413027.1, NM_001413030.1 and 1 more transcripts); c.-1160A>G (NM_001413043.1); c.84+255A>G (NM_001413025.1); c.-859+156A>G (NM_001413040.1); and 3 more; short protein forms S61G.
Identifiers: ClinVar variation 2826008 (VCV002826008.3), dbSNP rs2538122297, ClinGen allele CA372692592.
Genomic context (GRCh38, chr8:144,517,446, plus strand): 5'-GGAGGCTGGGGCGGCGGGGCCTGGGTACCTCTTCGGCCGCCGCGGGGAGCGACTCGGAGC[T>C]GCGGAGCCCGCCGCCGGCCTGGCCCGTGGTACGCTTCAGAGTGCGGTATTCCCGGTAGAG-3'
Protein context (NP_004251.4, residues 51-71): TTGQAGGGLR[Ser61Gly]SESLPAAAEE